The following is an entry in ClinVar:

NM_001999.4(FBN2):c.4723C>T (p.Arg1575Cys)

Gene: FBN2 (fibrillin 2; minus strand). Cytogenetic location: 5q23.3.
Variant type: single nucleotide variant.
Coding change: c.4723C>T on transcript NM_001999.4 (MANE Select); coding-DNA position 4723, C replaced by T.
Protein change: p.Arg1575Cys; replaces arginine 1575 with cysteine.
Molecular consequence: missense variant.
Genome position (GRCh38, 1-based): chr5:128,312,790, G>A on the plus strand (C>T on the coding strand, the complement: FBN2 is on the minus strand). VCF-style: chr5-128312790-G-A. GRCh37 (hg19) VCF-style: chr5-127648482-G-A.
Other names: short protein forms R1575C.
Identifiers: ClinVar variation 636713 (VCV000636713.6), dbSNP rs1581208614, ClinGen allele CA360747830.
Genomic context (GRCh38, chr5:128,312,790, plus strand): 5'-TGTTGCAAGACAGACTCCCATCTCCTCGAGGTCCAAACTTCAGGTAGCAGTTGCCCACAC[G>A]GTTGTCTGCAGAGCAACAAAGGAGCTTACAGTTGCCCTTGCTTACATAGTAAGGACTCCA-3'
Protein context (NP_001990.2, residues 1565-1585): NPTGVGCVDN[Arg1575Cys]VGNCYLKFGP

ClinVar aggregate classification (germline): Uncertain significance. Review status: criteria provided, multiple submitters, no conflicts (2 of 4 stars). 4 submissions from 4 submitters: Uncertain significance (4). Last evaluated 2026-07-19.

Conditions:
Congenital contractural arachnodactyly (CCA). Also called: BEALS SYNDROME; Beals-Hecht syndrome; Arthrogryposis, distal, type 9. Identifiers: Orphanet 115, MedGen C0220668, MONDO:0007363, OMIM 121050.
Familial thoracic aortic aneurysm and aortic dissection (TAAD). Also called: Thoracic aortic aneurysms and dissections. Identifiers: Orphanet 91387, MedGen C4707243, MONDO:0019625.

gnomAD v4.1: 1 of 1,613,526 alleles (0.000062%); highest among the groups gnomAD compares: Non-Finnish European, 0.000085%; no homozygotes.

Submissions (4):

Ambry Genetics
Classification: Uncertain significance for Familial thoracic aortic aneurysm and aortic dissection. Last evaluated: 2026-07-19. Review status: criteria provided, single submitter. Criteria: Ambry Variant Classification Scheme 2023. Collection method: clinical testing. Allele origin: germline.
Comment: The p.R1575C variant (also known as c.4723C>T), located in coding exon 37 of the FBN2 gene, results from a C to T substitution at nucleotide position 4723. The arginine at codon 1575 is replaced by cysteine, an amino acid with highly dissimilar properties. This amino acid position is conserved. In addition, this alteration is predicted to be deleterious by in silico analysis. Based on the available evidence, the clinical significance of this variant remains unclear.

Labcorp Genetics (formerly Invitae), Labcorp
Classification: Uncertain significance for Congenital contractural arachnodactyly. Last evaluated: 2024-11-19. Review status: criteria provided, single submitter. Criteria: Invitae Variant Classification Sherloc (09022015). Collection method: clinical testing. Allele origin: germline.
Comment: This sequence change replaces arginine, which is basic and polar, with cysteine, which is neutral and slightly polar, at codon 1575 of the FBN2 protein (p.Arg1575Cys). This variant is not present in population databases (gnomAD no frequency). This variant has not been reported in the literature in individuals affected with FBN2-related conditions. ClinVar contains an entry for this variant (Variation ID: 636713). Invitae Evidence Modeling of protein sequence and biophysical properties (such as structural, functional, and spatial information, amino acid conservation, physicochemical variation, residue mobility, and thermodynamic stability) has been performed for this missense variant. However, the output from this modeling did not meet the statistical confidence thresholds required to predict the impact of this variant on FBN2 protein function. In summary, the available evidence is currently insufficient to determine the role of this variant in disease. Therefore, it has been classified as a Variant of Uncertain Significance.

GeneDx
Classification: Uncertain significance. Last evaluated: 2024-06-26. Review status: criteria provided, single submitter. Criteria: GeneDx Variant Classification Process June 2021. Collection method: clinical testing. Allele origin: germline. Affected: yes.
Comment: Not observed at significant frequency in large population cohorts (gnomAD); In silico analysis supports that this missense variant has a deleterious effect on protein structure/function; Has not been previously published as pathogenic or benign to our knowledge; This variant is associated with the following publications: (PMID: 19006240, 18767143)

Blueprint Genetics
Classification: Uncertain significance. Last evaluated: 2018-07-16. Review status: criteria provided, single submitter. Criteria: ACMG Guidelines, 2015. Collection method: clinical testing. Allele origin: germline.